The following is an entry in ClinVar:

NM_000228.3(LAMB3):c.1830G>A (p.Trp610Ter)

Gene: LAMB3 (laminin subunit beta 3; minus strand). Cytogenetic location: 1q32.2.
Variant type: single nucleotide variant.
Coding change: c.1830G>A on transcript NM_000228.3 (MANE Select); coding-DNA position 1830, G replaced by A.
Protein change: p.Trp610Ter; replaces tryptophan 610 with a stop codon.
Molecular consequence: nonsense.
Genome position (GRCh38, 1-based): chr1:209,625,794, C>T on the plus strand (G>A on the coding strand, the complement: LAMB3 is on the minus strand). VCF-style: chr1-209625794-C-T. GRCh37 (hg19) VCF-style: chr1-209799139-C-T.
Other names: c.1830G>A, p.Trp610Ter (NM_001017402.2, NM_001127641.1); short protein forms W610*.
Identifiers: ClinVar variation 14545 (VCV000014545.6), dbSNP rs121912484, ClinGen allele CA257278.

ClinVar aggregate classification (germline): Pathogenic. Review status: criteria provided, single submitter (1 of 4 stars). 3 submissions from 3 submitters: Pathogenic (1). 2 of the submissions do not count toward it. Last evaluated 2024-01-28.

Conditions:
Junctional epidermolysis bullosa gravis of Herlitz. Also called: EPIDERMOLYSIS BULLOSA JUNCTIONALIS, HERLITZ TYPE; EPIDERMOLYSIS BULLOSA, JUNCTIONAL, HERLITZ-PEARSON TYPE; EPIDERMOLYSIS BULLOSA, JUNCTIONAL 1B, SEVERE; Herlitz-type junctional epidermolysis bullosa; JEB-HERLITZ TYPE; Epidermolysis Bullosa Letalis. Identifiers: Orphanet 79404, MedGen C0079683, MONDO:0009182, OMIM 226700.

gnomAD v4.1: 3 of 1,614,178 alleles (0.00019%); highest among the groups gnomAD compares: East Asian, 0.0045%; no homozygotes.

Submissions (3):

Labcorp Genetics (formerly Invitae), Labcorp
Classification: Pathogenic. Last evaluated: 2024-01-28. Review status: criteria provided, single submitter. Criteria: Invitae Variant Classification Sherloc (09022015). Collection method: clinical testing. Allele origin: germline.
Comment: This sequence change creates a premature translational stop signal (p.Trp610*) in the LAMB3 gene. It is expected to result in an absent or disrupted protein product. Loss-of-function variants in LAMB3 are known to be pathogenic (PMID: 11023379, 16473856). This variant is not present in population databases (gnomAD no frequency). This premature translational stop signal has been observed in individual(s) with junctional epidermolysis bullosa (PMID: 9457915). ClinVar contains an entry for this variant (Variation ID: 14545). For these reasons, this variant has been classified as Pathogenic.

Counsyl
Classification: Pathogenic for Junctional epidermolysis bullosa gravis of Herlitz. Last evaluated: 2017-09-19. Review status: no assertion criteria provided. Collection method: clinical testing. Allele origin: unknown. Not counted in ClinVar's aggregate classification.

OMIM
Classification: Pathogenic for EPIDERMOLYSIS BULLOSA, JUNCTIONAL 1B, SEVERE. Last evaluated: 1998-02-01. Review status: no assertion criteria provided. Collection method: literature only. Allele origin: germline. Not counted in ClinVar's aggregate classification.

Literature cited by the submitters: PubMed 11023379 (cited by Labcorp Genetics (formerly Invitae), Labcorp); PubMed 16473856 (cited by Labcorp Genetics (formerly Invitae), Labcorp); PubMed 9457915 (cited by 3 submitters); PubMed 9856852 (cited by Counsyl); PubMed 15538630 (cited by Counsyl); PubMed 25525159 (cited by Counsyl).